The following is an entry in ClinVar:

NM_182961.4(SYNE1):c.68-187dup

Gene: SYNE1 (spectrin repeat containing nuclear envelope protein 1; minus strand). Cytogenetic location: 6q25.2.
Variant type: Duplication.
Coding change: c.68-187dup on transcript NM_182961.4 (MANE Select); 187 bases into the intron before coding-DNA position 68, one base duplicated (T; older notation c.68-187dupT).
Molecular consequence: intron variant.
Genome position (GRCh38, 1-based): chr6:152,540,208, A duplicated on the plus strand (T on the coding strand, the reverse complement: SYNE1 is on the minus strand); the first of 5 consecutive A bases (chr6:152,540,208-152,540,212); duplicating any one gives the same sequence. VCF-style (leftmost placement, unchanged base first): chr6-152540207-T-TA. GRCh37 (hg19) VCF-style: chr6-152861342-T-TA.
Other names: c.68-187dup (NM_033071.5).
Identifiers: ClinVar variation 675431 (VCV000675431.1), dbSNP rs112169808, ClinGen allele CA150221686.
Genomic context (GRCh38, chr6:152,540,207, plus strand): 5'-ATTGTCTTGAAGGGAAAAGTCAACAAGAGTCGATCTACATAATCATATAGACTATTCCTT[T>TA]AAAAATTATCTGCAAATGCTTTAAAATTTGCCATTTGTTAGCCCTATGTTTACCTTCATC-3'

ClinVar aggregate classification (germline): Benign (1 of 4 stars; one submission).

Submission:

GeneDx
Classification: Benign. Last evaluated: 2018-06-19. Review status: criteria provided, single submitter. Criteria: GeneDx Variant Classification (06012015). Collection method: clinical testing. Allele origin: germline. Affected: yes.
Comment: This variant is considered likely benign or benign based on one or more of the following criteria: it is a conservative change, it occurs at a poorly conserved position in the protein, it is predicted to be benign by multiple in silico algorithms, and/or has population frequency not consistent with disease.